The following is an entry in ClinVar:

ClinVar aggregate classification (germline): Conflicting classifications of pathogenicity. Review status: criteria provided, conflicting classifications (1 of 4 stars). 5 submissions from 5 submitters: Uncertain significance (4); Likely benign (1). Last evaluated 2025-10-04.

Conditions:
Cardiovascular phenotype. Identifiers: MedGen CN230736.
Arrhythmogenic right ventricular dysplasia 12. Also called: ARRHYTHMOGENIC RIGHT VENTRICULAR DYSPLASIA, FAMILIAL, 12. Identifiers: MedGen C1969081, MONDO:0012684, OMIM 611528.
Naxos disease (NXD). Also called: CARDIOMYOPATHY, ARRHYTHMOGENIC RIGHT VENTRICULAR, WITH SKIN, HAIR, AND NAIL ABNORMALITIES; KERATOSIS PALMOPLANTARIS WITH ARRHYTHMOGENIC CARDIOMYOPATHY; MAL DE NAXOS; PALMOPLANTAR KERATODERMA WITH ARRHYTHMOGENIC RIGHT VENTRICULAR CARDIOMYOPATHY AND WOOLLY HAIR; WOOLLY HAIR, PALMOPLANTAR KERATODERMA, AND CARDIAC ABNORMALITIES. Identifiers: Orphanet 34217, MedGen C1832600, MONDO:0011017, OMIM 601214.

Allele frequency attached by ClinVar (database versions not stated): TOPMed below 0.00001; gnomAD 0.00001; ExAC 0.00003; gnomAD exomes 0.00003.
gnomAD v4.1: 42 of 1,614,180 alleles (0.0026%); highest among the groups gnomAD compares: South Asian, 0.026%; 1 homozygote.

Submissions (5):

Labcorp Genetics (formerly Invitae), Labcorp
Classification: Uncertain significance for Arrhythmogenic right ventricular dysplasia 12; Naxos disease. Last evaluated: 2025-10-04. Review status: criteria provided, single submitter. Criteria: Invitae Variant Classification Sherloc (09022015). Collection method: clinical testing. Allele origin: germline.
Comment: This sequence change replaces alanine, which is neutral and non-polar, with threonine, which is neutral and polar, at codon 645 of the JUP protein (p.Ala645Thr). This variant is present in population databases (rs727504778, gnomAD 0.02%). This variant has not been reported in the literature in individuals affected with JUP-related conditions. ClinVar contains an entry for this variant (Variation ID: 179306). An algorithm developed to predict the effect of missense changes on protein structure and function (PolyPhen-2) suggests that this variant is likely to be tolerated. In summary, the available evidence is currently insufficient to determine the role of this variant in disease. Therefore, it has been classified as a Variant of Uncertain Significance.

Blueprint Genetics
Classification: Uncertain significance. Last evaluated: 2023-12-15. Review status: criteria provided, single submitter. Criteria: ACMG Guidelines, 2015. Collection method: clinical testing. Allele origin: germline.

Ambry Genetics
Classification: Likely benign for Cardiovascular phenotype. Last evaluated: 2023-05-03. Review status: criteria provided, single submitter. Criteria: Ambry Variant Classification Scheme 2023. Collection method: clinical testing. Allele origin: germline.

Fulgent Genetics
Classification: Uncertain significance for Naxos disease; Arrhythmogenic right ventricular dysplasia 12. Last evaluated: 2021-09-16. Review status: criteria provided, single submitter. Criteria: ACMG Guidelines, 2015. Collection method: clinical testing. Allele origin: unknown.

Laboratory for Molecular Medicine, Mass General Brigham Personalized Medicine
Classification: Uncertain significance. Last evaluated: 2013-10-18. Review status: criteria provided, single submitter. Criteria: LMM Criteria. Collection method: clinical testing. Allele origin: germline. Observed: 1 variant allele.
Comment: The Ala645Thr variant in JUP has not been previously reported in the individuals with cardiomyopathy and was absent from large population studies. Computationa l analyses (biochemical amino acid properties, conservation, AlignGVGD, PolyPhen 2, and SIFT) do not provide strong support for or against an impact to the prote in. Additional information is needed to fully assess the clinical significance o f this variant.

NM_002230.4(JUP):c.1933G>A (p.Ala645Thr)

Gene: JUP (junction plakoglobin; minus strand). Cytogenetic location: 17q21.2.
Variant type: single nucleotide variant.
Coding change: c.1933G>A on transcript NM_002230.4 (MANE Select); coding-DNA position 1933, G replaced by A.
Protein change: p.Ala645Thr; replaces alanine 645 with threonine.
Molecular consequence: missense variant.
Genome position (GRCh38, 1-based): chr17:41,757,528, C>T on the plus strand (G>A on the coding strand, the complement: JUP is on the minus strand). VCF-style: chr17-41757528-C-T. GRCh37 (hg19) VCF-style: chr17-39913780-C-T.
Other names: c.1933G>A (NM_002230.2); c.1933G>A, p.Ala645Thr (NM_001352773.2, NM_001352774.2, NM_001352775.2 and 3 more transcripts); short protein forms A645T.
Identifiers: ClinVar variation 179306 (VCV000179306.15), dbSNP rs727504778, ClinGen allele CA184163.